The following is an entry in ClinVar:

ClinVar aggregate classification (germline): Pathogenic (1 of 4 stars; one submission).

Submission:

Labcorp Genetics (formerly Invitae), Labcorp
Classification: Pathogenic. Last evaluated: 2025-10-23. Review status: criteria provided, single submitter. Criteria: Invitae Variant Classification Sherloc (09022015). Collection method: clinical testing. Allele origin: germline.
Comment: This sequence change creates a premature translational stop signal (p.Ile679Hisfs*41) in the ADAMTS17 gene. It is expected to result in an absent or disrupted protein product. Loss-of-function variants in ADAMTS17 are known to be pathogenic (PMID: 19836009, 24940034). This variant is not present in population databases (gnomAD no frequency). This variant has not been reported in the literature in individuals affected with ADAMTS17-related conditions. For these reasons, this variant has been classified as Pathogenic.

Literature cited by the submitters: PubMed 19836009; PubMed 24940034.

NM_139057.4(ADAMTS17):c.2033dup (p.Ile679fs)

Gene: ADAMTS17 (ADAM metallopeptidase with thrombospondin type 1 motif 17; minus strand). Cytogenetic location: 15q26.3.
Variant type: Duplication.
Coding change: c.2033dup on transcript NM_139057.4 (MANE Select); coding-DNA position 2033, one base duplicated (G; older notation c.2033dupG).
Protein change: p.Ile679fs; shifts the reading frame from isoleucine 679.
Molecular consequence: frameshift variant.
Genome position (GRCh38, 1-based): chr15:100,096,460, C duplicated on the plus strand (G on the coding strand, the reverse complement: ADAMTS17 is on the minus strand); the first of 2 consecutive C bases (chr15:100,096,460-100,096,461); duplicating either gives the same sequence. VCF-style (leftmost placement, unchanged base first): chr15-100096459-G-GC. GRCh37 (hg19) VCF-style: chr15-100636664-G-GC.
Other names: short protein forms I679fs.
Identifiers: ClinVar variation 4729447 (VCV004729447.1).